The following is an entry in ClinVar:

ClinVar aggregate classification (germline): Likely pathogenic. Review status: criteria provided, multiple submitters, no conflicts (2 of 4 stars). 2 submissions from 2 submitters: Likely pathogenic (2). Last evaluated 2023-08-01.

Conditions:
CDH23-related disorder. Also called: CDH23-related condition; CDH23-related disorders.

Allele frequency attached by ClinVar (database versions not stated): gnomAD exomes below 0.00001; TOPMed below 0.00001; ExAC 0.00001; gnomAD 0.00001.
gnomAD v4.1: 3 of 1,613,750 alleles (0.00019%); highest among the groups gnomAD compares: South Asian, 0.0011%; no homozygotes.

Submissions (2):

CeGaT Center for Human Genetics Tuebingen
Classification: Likely pathogenic. Last evaluated: 2023-08-01. Review status: criteria provided, single submitter. Criteria: CeGaT Center For Human Genetics Tuebingen Variant Classification Criteria Version 2. Collection method: clinical testing. Allele origin: germline. Affected: yes. Observed: 1 variant allele.
Comment: CDH23: PVS1:Strong, PM2

Blueprint Genetics
Classification: Likely pathogenic for CDH23-related disorders. Last evaluated: 2021-07-26. Review status: criteria provided, single submitter. Criteria: ACMG Guidelines, 2015. Collection method: clinical testing. Allele origin: germline. Affected: yes. Observed: 1 variant allele.

NM_022124.6(CDH23):c.289-1G>A

Genes: CDH23 (cadherin related 23; plus strand), CDH23-AS1 (CDH23 antisense RNA 1; minus strand). Cytogenetic location: 10q22.1.
Variant type: single nucleotide variant.
Coding change: c.289-1G>A on transcript NM_022124.6 (MANE Select); the canonical splice acceptor site of the intron before coding-DNA position 289, G replaced by A.
Molecular consequence: splice acceptor variant.
Genome position (GRCh38, 1-based): chr10:71,510,953, G>A. VCF-style: chr10-71510953-G-A. GRCh37 (hg19) VCF-style: chr10-73270710-G-A.
Other names: c.289-1G>A (NM_001171930.2, NM_001171931.2, NM_052836.4 and 1 more transcripts).
Identifiers: ClinVar variation 2578615 (VCV002578615.26), dbSNP rs749287212, ClinGen allele CA5543369.
Genomic context (GRCh38, chr10:71,510,953, plus strand): 5'-CCAGGACCCAGGACCTCAGCACCGCCTAACTGCCCCCCTCCCTCTCTCACTTTTCTTTCA[G>A]ACCAAGTCAGAGTTCACCGTGGAGTTCTCTGTCAGCGACCACCAGGGGGTGAGTGTTCCC-3'